The following is an entry in ClinVar:

ClinVar aggregate classification (germline): Pathogenic. Review status: criteria provided, single submitter (1 of 4 stars). 2 submissions from 2 submitters: Pathogenic (1). 1 of the submissions does not count toward it. Last evaluated 2024-01-29.

Conditions:
Hermansky-Pudlak syndrome 5 (HPS5). Identifiers: Orphanet 231512, Orphanet 79430, MedGen C3888004, MONDO:0013557, OMIM 614074.

Allele frequency attached by ClinVar (database versions not stated): gnomAD exomes below 0.00001 and 0.00001.

Submissions (2):

Labcorp Genetics (formerly Invitae), Labcorp
Classification: Pathogenic. Last evaluated: 2024-01-29. Review status: criteria provided, single submitter. Criteria: Invitae Variant Classification Sherloc (09022015). Collection method: clinical testing. Allele origin: germline.
Comment: This sequence change creates a premature translational stop signal (p.Thr273Lysfs*7) in the HPS5 gene. It is expected to result in an absent or disrupted protein product. Loss-of-function variants in HPS5 are known to be pathogenic (PMID: 12548288, 15296495, 21833017, 26785811). This variant is present in population databases (no rsID available, gnomAD 0.0009%). This premature translational stop signal has been observed in individuals with Hermansky-Pudlak syndrome (PMID: 28640947). ClinVar contains an entry for this variant (Variation ID: 427878). For these reasons, this variant has been classified as Pathogenic.

Laboratoire de Génétique Moléculaire, CHU Bordeaux
Classification: Pathogenic for Hermansky-Pudlak syndrome 5. Last evaluated: 2017-03-14. Review status: no assertion criteria provided. Collection method: clinical testing. Allele origin: unknown. Affected: yes. Not counted in ClinVar's aggregate classification.

Literature cited by the submitters: PubMed 12548288 (cited by Labcorp Genetics (formerly Invitae), Labcorp); PubMed 15296495 (cited by Labcorp Genetics (formerly Invitae), Labcorp); PubMed 21833017 (cited by Labcorp Genetics (formerly Invitae), Labcorp); PubMed 26785811 (cited by Labcorp Genetics (formerly Invitae), Labcorp); PubMed 28640947 (cited by Labcorp Genetics (formerly Invitae), Labcorp and Laboratoire de Génétique Moléculaire, CHU Bordeaux).

NM_181507.2(HPS5):c.818_822del (p.Thr273fs)

Gene: HPS5 (HPS5 biogenesis of lysosomal organelles complex 2 subunit 2; minus strand). Cytogenetic location: 11p15.1.
Variant type: Deletion.
Coding change: c.818_822del on transcript NM_181507.2 (MANE Select); coding-DNA positions 818 to 822, 5 bases deleted (CTCTC; older notation c.818_822delCTCTC).
Protein change: p.Thr273fs; shifts the reading frame from threonine 273.
Molecular consequence: frameshift variant.
Genome position (GRCh38, 1-based): chr11:18,306,137-18,306,141, GAGAG deleted on the plus strand (CTCTC on the coding strand, the reverse complement: HPS5 is on the minus strand). VCF-style (leftmost placement, unchanged base first): chr11-18306136-TGAGAG-T. GRCh37 (hg19) VCF-style: chr11-18327683-TGAGAG-T.
Other names: c.476_480delCTCTC, p.Thr159Lysfs (NM_181508.2); c.476_480del, p.Thr159fs (NM_007216.4); short protein forms T159fs, T273fs.
Identifiers: ClinVar variation 427878 (VCV000427878.7), dbSNP rs1131692147, ClinGen allele CA597456366.